The following is an entry in ClinVar:

NM_152490.5(B3GALNT2):c.1409T>A (p.Met470Lys)

Genes: B3GALNT2 (beta-1,3-N-acetylgalactosaminyltransferase 2; minus strand), TBCE (tubulin folding cofactor E; plus strand). Cytogenetic location: 1q42.3.
Variant type: single nucleotide variant.
Coding change: c.1409T>A on transcript NM_152490.5 (MANE Select); coding-DNA position 1409, T replaced by A.
Protein change: p.Met470Lys; replaces methionine 470 with lysine.
Molecular consequence: missense variant. On other transcripts: 3 prime UTR variant (4).
Genome position (GRCh38, 1-based): chr1:235,450,300, A>T on the plus strand (T>A on the coding strand, the complement: B3GALNT2 is on the minus strand). VCF-style: chr1-235450300-A-T. GRCh37 (hg19) VCF-style: chr1-235613615-A-T.
Other names: c.*1538A>T (NM_001079515.3, NM_001287801.2, NM_001287802.2 and 1 more transcripts); short protein forms M470K.
Identifiers: ClinVar variation 2860642 (VCV002860642.3), dbSNP rs1682819380, ClinGen allele CA344954342.

ClinVar aggregate classification (germline): Uncertain significance (1 of 4 stars; one submission).

Conditions:
Muscular dystrophy-dystroglycanopathy (congenital with brain and eye anomalies), type a, 11 (MDDGA11). Also called: Congenital muscular dystrophy-dystroglycanopathy with brain and eye anomalies, type A11; WALKER-WARBURG SYNDROME OR MUSCLE-EYE-BRAIN DISEASE, B3GALNT2-RELATED; Muscular dystrophy-dystroglycanopathy (congenital with brain and eye anomalies, type A, 11. Identifiers: Orphanet 588, Orphanet 899, MedGen C3554638, MONDO:0014071, OMIM 615181.

gnomAD v4.1: 1 of 1,613,906 alleles (0.000062%); no homozygotes.

Submission:

Labcorp Genetics (formerly Invitae), Labcorp
Classification: Uncertain significance for Muscular dystrophy-dystroglycanopathy (congenital with brain and eye anomalies), type a, 11. Last evaluated: 2026-01-05. Review status: criteria provided, single submitter. Criteria: Invitae Variant Classification Sherloc (09022015). Collection method: clinical testing. Allele origin: germline.
Comment: This sequence change replaces methionine, which is neutral and non-polar, with lysine, which is basic and polar, at codon 470 of the B3GALNT2 protein (p.Met470Lys). This variant is not present in population databases (gnomAD no frequency). This variant has not been reported in the literature in individuals affected with B3GALNT2-related conditions. ClinVar contains an entry for this variant (Variation ID: 2860642). Invitae Evidence Modeling of protein sequence and biophysical properties (such as structural, functional, and spatial information, amino acid conservation, physicochemical variation, residue mobility, and thermodynamic stability) indicates that this missense variant is not expected to disrupt B3GALNT2 protein function with a negative predictive value of 80%. In summary, the available evidence is currently insufficient to determine the role of this variant in disease. Therefore, it has been classified as a Variant of Uncertain Significance.